The following is an entry in ClinVar:

ClinVar aggregate classification (germline): Pathogenic/Likely pathogenic. Review status: criteria provided, multiple submitters, no conflicts (2 of 4 stars). 11 submissions from 11 submitters: Pathogenic (5); Likely pathogenic (6). Last evaluated 2026-01-26.

Conditions:
MYH7-related disorder. Also called: MYH7-related condition; MYH7-related disease; MYH7-related disorders.
Hypertrophic cardiomyopathy 1 (CMH1). Also called: MYH7-Related Familial Hypertrophic Cardiomyopathy; Familial hypertrophic cardiomyopathy 1. Identifiers: MedGen C3495498, MONDO:0008647, OMIM 192600.
MYH7-related skeletal myopathy. Also called: Laing distal myopathy; Myopathy, distal, 1; Laing early-onset distal myopathy; MYOPATHY, DISTAL, EARLY-ONSET, AUTOSOMAL DOMINANT; MYOPATHY, LATE DISTAL HEREDITARY. Identifiers: Orphanet 59135, MedGen C4552004, MONDO:0008050, OMIM 160500.
Dilated cardiomyopathy 1S (CMD1S). Identifiers: Orphanet 154, Orphanet 54260, MedGen C1834481, MONDO:0013262, OMIM 613426.
Myosin storage myopathy (CMYO7A). Also called: MYH7-related late-onset scapuloperoneal muscular dystrophy; Congenital myopathy 7A, myosin storage, autosomal dominant; MYOPATHY, HYALINE BODY, AUTOSOMAL DOMINANT; MYOPATHY WITH LYSIS OF TYPE I MYOFIBRILS; SCAPULOPERONEAL MUSCULAR DYSTROPHY; SCAPULOPERONEAL SYNDROME, MYOPATHIC TYPE. Identifiers: Orphanet 437572, Orphanet 636965, MedGen C1842160, MONDO:0008409, OMIM 608358.
Congenital myopathy with fiber type disproportion. Also called: Congenital fiber-type disproportion; Congenital fiber-type disproportion myopathy. Identifiers: Orphanet 2020, MedGen C0546264, MONDO:0009711. Inheritance: all.
Myopathy, myosin storage, autosomal recessive (CMYO7B). Also called: CONGENITAL MYOPATHY 7B, MYOSIN STORAGE, AUTOSOMAL RECESSIVE. Identifiers: Orphanet 636970, MedGen C1850709, MONDO:0009708, OMIM 255160.
Cardiovascular phenotype. Identifiers: MedGen CN230736.
Cardiomyopathy (CMYO). Also called: Cardiomyopathies. Identifiers: Orphanet 167848, MedGen C0878544, MONDO:0004994, HP:0001638. Inheritance: Various modes of inheritance.
Hypertrophic cardiomyopathy. Also called: HYPERTROPHIC MYOCARDIOPATHY. Identifiers: Orphanet 217569, MedGen C0007194, MeSH D002312, MONDO:0005045, HP:0001639.

Allele frequency attached by ClinVar (database versions not stated): gnomAD exomes below 0.00001; gnomAD 0.00003.
gnomAD v4.1: 6 of 1,614,092 alleles (0.00037%); highest among the groups gnomAD compares: African/African-American, 0.004%; no homozygotes.

Submissions 1 to 6 of 11:

GeneDx
Classification: Likely pathogenic. Last evaluated: 2026-01-26. Review status: criteria provided, single submitter. Criteria: GeneDx Variant Classification Process June 2021. Collection method: clinical testing. Allele origin: germline. Affected: yes.
Comment: Identified in patients with cardiomyopathy referred for genetic testing at GeneDx and in published literature (PMID: 12974739, 24111713, 25351510, 27532257, 28566242, 31638223, 33495596, 32481709, 37652022, 36264615, 35653365); Not observed at significant frequency in large population cohorts (gnomAD); In silico analysis supports that this missense variant has a deleterious effect on protein structure/function; This variant is associated with the following publications: (PMID: 28566242, 20819418, 12974739, 25351510, 27532257, 24111713, 31638223, 29300372, 37652022, 34542152, 35653365, 36264615, 37728764, 33495597, 32481709, 33495596)

Labcorp Genetics (formerly Invitae), Labcorp
Classification: Pathogenic for Hypertrophic cardiomyopathy. Last evaluated: 2026-01-14. Review status: criteria provided, single submitter. Criteria: Invitae Variant Classification Sherloc (09022015). Collection method: clinical testing. Allele origin: germline.
Comment: This sequence change replaces arginine, which is basic and polar, with histidine, which is basic and polar, at codon 694 of the MYH7 protein (p.Arg694His). This variant is present in population databases (no rsID available, gnomAD 0.004%). This missense change has been observed in individuals with hypertrophic cardiomyopathy (PMID: 12974739, 20819418, 24111713, 25351510, 27532257). ClinVar contains an entry for this variant (Variation ID: 264068). Invitae Evidence Modeling of protein sequence and biophysical properties (such as structural, functional, and spatial information, amino acid conservation, physicochemical variation, residue mobility, and thermodynamic stability) indicates that this missense variant is expected to disrupt MYH7 protein function with a positive predictive value of 95%. This variant is found within a region of MYH7 between codons 181 and 937 that contains the majority of the myosin head domain. Missense variants in this region have been shown to be significantly overrepresented in individuals with hypertrophic cardiomyopathy (PMID: 27532257). For these reasons, this variant has been classified as Pathogenic.

Ambry Genetics
Classification: Pathogenic for Cardiovascular phenotype. Last evaluated: 2025-09-04. Review status: criteria provided, single submitter. Criteria: Ambry Variant Classification Scheme 2023. Collection method: clinical testing. Allele origin: germline.
Comment: The p.R694H pathogenic mutation (also known as c.2081G>A), located in coding exon 17 of the MYH7 gene, results from a G to A substitution at nucleotide position 2081. The arginine at codon 694 is replaced by histidine, an amino acid with some similar properties. This alteration is located in the myosin head domain, which contains a statistically significant clustering of pathogenic missense variants (Homburger JR et al. Proc Natl Acad Sci U S A, 2016 06;113:6701-6; Walsh R et al. Genet Med, 2017 02;19:192-203; Ambry internal data). This variant was reported in individual(s) with features consistent with hypertrophic cardiomyopathy and segregated with disease in at least one family; in at least one individual, it was determined to be de novo (Erdmann J et al. Clin Genet. 2003;64(4):339-49; Berge KE and Leren TP. Clin Genet. 2014;86(4):355-60; Lopes LR et al. Heart. 2015;101(4):294-301. Jim&eacute;nez-J&aacute;imez et al. J. Rev Esp Cardiol (Engl Ed). 2017;70(10):808-816; external communication; Ambry internal data). This amino acid position is highly conserved in available vertebrate species. In addition, this alteration is predicted to be deleterious by in silico analysis. Based on the supporting evidence, this variant is interpreted as a disease-causing mutation.

3billion
Classification: Pathogenic for Hypertrophic cardiomyopathy 1. Last evaluated: 2025-08-13. Review status: criteria provided, single submitter. Criteria: ACMG Guidelines, 2015. Collection method: clinical testing. Allele origin: germline. Affected: yes.
Comment: The variant is observed at an extremely low frequency in the gnomAD v4.1.0 dataset (total allele frequency: <0.001%). Predicted Consequence/Location: The variant is located in a mutational hot spot and/or well-established functional domain in which established pathogenic variants have been reported (PMID: 29300372). In silico tool predictions suggest damaging effect of the variant on gene or gene product [REVEL: 0.86 (>=0.6, sensitivity 0.68 and specificity 0.92); 3Cnet: 0.99 (> 0.75, sensitivity 0.96 and precision 0.92)]. The same nucleotide change resulting in the same amino acid change has been previously reported as pathogenic/likely pathogenic with strong evidence (ClinVar ID: VCV000264068 /PMID: 12974739). Different missense changes at the same codon (p.Arg694Cys, p.Arg694Leu) have been reported as pathogenic/likely pathogenic with strong evidence (ClinVar ID: VCV000177627 /PMID: 10563488, 20819418). Therefore, this variant is classified as Pathogenic according to the recommendation of ACMG/AMP guideline.

Center for Human Genetics and Genomic Medicine, Uniklinik Rwth Aachen
Classification: Likely pathogenic for Hypertrophic cardiomyopathy 1. Last evaluated: 2025-07-09. Review status: criteria provided, single submitter. Criteria: ACMG Guidelines, 2015. Collection method: clinical testing. Allele origin: germline. Inheritance: Sporadic. Affected: yes. Observed: 1 variant allele.
Comment: This variant has been identified as (Likely) Pathogenic in at least 4 affected individuals with Hypertrophic Cardiomyopathy in Clinvar (Variation ID: 264068). The variant has further been identified in several publications (Erdmann J et al. Clin Genet 2003: 64: 339–349; Jimenez-Jaimez et al. Rev Esp Cardiol. 2017;70(10):808–816). The variant is present in the MYH7 known hotspot region: amino acids 181–937. In-silico prediction of this variant is supportive of pathogenicity: REVEL 0.861). A different pathogenic amino acid change has been reported as pathogenic at this same residue: NM_000257.4(MYH7):c.2080C>T (p.Arg694Cys). ACMG according to Kelly et al. adapted for MYH7 mutations: PS4_mod, PM1, PM2_sup, PM5, PP3_mod

Molecular Diagnostic Laboratory for Inherited Cardiovascular Disease, Montreal Heart Institute
Classification: Likely pathogenic for Cardiovascular phenotype. Last evaluated: 2024-06-13. Review status: criteria provided, single submitter. Criteria: ACMG Guidelines, 2015. Collection method: clinical testing. Allele origin: germline. Affected: yes.
Comment: PS4_mod, PM1, PM2, PM5, PP3

NM_000257.4(MYH7):c.2081G>A (p.Arg694His)

Gene: MYH7 (myosin heavy chain 7; minus strand). Cytogenetic location: 14q11.2.
Variant type: single nucleotide variant.
Coding change: c.2081G>A on transcript NM_000257.4 (MANE Select); coding-DNA position 2081, G replaced by A.
Protein change: p.Arg694His; replaces arginine 694 with histidine.
Molecular consequence: missense variant.
Genome position (GRCh38, 1-based): chr14:23,426,045, C>T on the plus strand (G>A on the coding strand, the complement: MYH7 is on the minus strand). VCF-style: chr14-23426045-C-T. GRCh37 (hg19) VCF-style: chr14-23895254-C-T.
Other names: c.2081G>A (LRG_384t1); short protein forms R694H.
Identifiers: ClinVar variation 264068 (VCV000264068.31), dbSNP rs886039030, ClinGen allele CA10587775.